The following is an entry in ClinVar:

NM_001244926.2(PRPF4):c.560+5A>G

Gene: PRPF4 (pre-mRNA splicing tri-snRNP complex factor PRPF4; plus strand). Cytogenetic location: 9q32.
Variant type: single nucleotide variant.
Coding change: c.560+5A>G on transcript NM_001244926.2 (MANE Select); 5 bases into the intron after coding-DNA position 560, A replaced by G.
Molecular consequence: intron variant.
Genome position (GRCh38, 1-based): chr9:113,283,216, A>G. VCF-style: chr9-113283216-A-G. GRCh37 (hg19) VCF-style: chr9-116045496-A-G.
Other names: c.-206+5A>G (NM_001322267.2, NM_001322266.2); c.563+5A>G (NM_004697.5).
Identifiers: ClinVar variation 3627408 (VCV003627408.2).
Genomic context (GRCh38, chr9:113,283,216, plus strand): 5'-GGACCAAATAGCTTGAAGGTGGCAAGACTATGGATTGCTAATTATTCGTTGCCCAGGTAA[A>G]GAGAGCCTCCAGTAGAAGAAAGAAGCATATTTTTTGTGTGTGTTTCCTCTCAGGAACTGA-3'

ClinVar aggregate classification (germline): Uncertain significance (1 of 4 stars; one submission).

Submission:

Labcorp Genetics (formerly Invitae), Labcorp
Classification: Uncertain significance. Last evaluated: 2024-10-19. Review status: criteria provided, single submitter. Criteria: Invitae Variant Classification Sherloc (09022015). Collection method: clinical testing. Allele origin: germline.
Comment: This sequence change falls in intron 5 of the PRPF4 gene. It does not directly change the encoded amino acid sequence of the PRPF4 protein. It affects a nucleotide within the consensus splice site. This variant is not present in population databases (gnomAD no frequency). This variant has not been reported in the literature in individuals affected with PRPF4-related conditions. Variants that disrupt the consensus splice site are a relatively common cause of aberrant splicing (PMID: 17576681, 9536098). Algorithms developed to predict the effect of sequence changes on RNA splicing suggest that this variant is not likely to affect RNA splicing. In summary, the available evidence is currently insufficient to determine the role of this variant in disease. Therefore, it has been classified as a Variant of Uncertain Significance.

Literature cited by the submitters: PubMed 17576681; PubMed 9536098.